The following is an entry in ClinVar:

NM_006565.4(CTCF):c.1369C>T (p.Arg457Ter)

Gene: CTCF (CCCTC-binding factor; plus strand). Cytogenetic location: 16q22.1.
Variant type: single nucleotide variant.
Coding change: c.1369C>T on transcript NM_006565.4 (MANE Select); coding-DNA position 1369, C replaced by T.
Protein change: p.Arg457Ter; replaces arginine 457 with a stop codon.
Molecular consequence: nonsense.
Genome position (GRCh38, 1-based): chr16:67,626,566, C>T. VCF-style: chr16-67626566-C-T. GRCh37 (hg19) VCF-style: chr16-67660469-C-T.
Other names: c.385C>T, p.Arg129Ter (NM_001191022.2); c.1369C>T, p.Arg457Ter (NM_001363916.2); short protein forms R129*, R457*.
Identifiers: ClinVar variation 2104020 (VCV002104020.4), dbSNP rs763765410, ClinGen allele CA396317218.

ClinVar aggregate classification (germline): Pathogenic (1 of 4 stars; one submission).

gnomAD v4.1: 1 of 1,492,808 alleles (0.000067%); highest among the groups gnomAD compares: Non-Finnish European, 0.00009%; no homozygotes.

Submission:

Labcorp Genetics (formerly Invitae), Labcorp
Classification: Pathogenic. Last evaluated: 2022-02-27. Review status: criteria provided, single submitter. Criteria: Invitae Variant Classification Sherloc (09022015). Collection method: clinical testing. Allele origin: germline.
Comment: This sequence change creates a premature translational stop signal (p.Arg457*) in the CTCF gene. It is expected to result in an absent or disrupted protein product. Loss-of-function variants in CTCF are known to be pathogenic (PMID: 23746550, 28619046). For these reasons, this variant has been classified as Pathogenic. This variant has not been reported in the literature in individuals affected with CTCF-related conditions. This variant is not present in population databases (gnomAD no frequency).

Literature cited by the submitters: PubMed 23746550; PubMed 28619046.